The following is an entry in ClinVar:

ClinVar aggregate classification (germline): Uncertain significance. Review status: criteria provided, multiple submitters, no conflicts (2 of 4 stars). 3 submissions from 3 submitters: Uncertain significance (3). Last evaluated 2024-05-31.

Conditions:
Inborn genetic diseases. Identifiers: MedGen C0950123, MeSH D030342.
Donnai-Barrow syndrome. Also called: DBS/FOAR SYNDROME; FACIOOCULOACOUSTICORENAL SYNDROME. Identifiers: Orphanet 2143, MedGen C1857277, MONDO:0009104, OMIM 222448.

Allele frequency attached by ClinVar (database versions not stated): gnomAD 0.00001; TOPMed 0.00002.
gnomAD v4.1: 1 of 1,613,976 alleles (0.000062%); highest among the groups gnomAD compares: Admixed American, 0.0017%; no homozygotes.

Submissions (3):

Fulgent Genetics
Classification: Uncertain significance for Donnai-Barrow syndrome. Last evaluated: 2024-05-31. Review status: criteria provided, single submitter. Criteria: ACMG Guidelines, 2015. Collection method: clinical testing. Allele origin: germline.

GeneDx
Classification: Uncertain significance. Last evaluated: 2024-05-30. Review status: criteria provided, single submitter. Criteria: GeneDx Variant Classification Process June 2021. Collection method: clinical testing. Allele origin: germline. Affected: yes.
Comment: Not observed at significant frequency in large population cohorts (gnomAD); In silico analysis supports that this missense variant has a deleterious effect on protein structure/function; Has not been previously published as pathogenic or benign to our knowledge

Ambry Genetics
Classification: Uncertain significance for Inborn genetic diseases. Last evaluated: 2024-01-12. Review status: criteria provided, single submitter. Criteria: Ambry Variant Classification Scheme 2023. Collection method: clinical testing. Allele origin: germline.

NM_004525.3(LRP2):c.9466T>G (p.Cys3156Gly)

Gene: LRP2 (LDL receptor related protein 2; minus strand). Cytogenetic location: 2q31.1.
Variant type: single nucleotide variant.
Coding change: c.9466T>G on transcript NM_004525.3 (MANE Select); coding-DNA position 9466, T replaced by G.
Protein change: p.Cys3156Gly; replaces cysteine 3156 with glycine.
Molecular consequence: missense variant.
Genome position (GRCh38, 1-based): chr2:169,185,882, A>C on the plus strand (T>G on the coding strand, the complement: LRP2 is on the minus strand). VCF-style: chr2-169185882-A-C. GRCh37 (hg19) VCF-style: chr2-170042392-A-C.
Other names: short protein forms C3156G.
Identifiers: ClinVar variation 3120266 (VCV003120266.3), dbSNP rs908734893, ClinGen allele CA59916894.